The following is an entry in ClinVar:

ClinVar aggregate classification (germline): Uncertain significance (1 of 4 stars; one submission).

Conditions:
Primary ciliary dyskinesia. Also called: Ciliary dyskinesia. Identifiers: Orphanet 244, MedGen C0008780, MONDO:0016575, HP:0012265.

Allele frequency attached by ClinVar (database versions not stated): gnomAD exomes below 0.00001; gnomAD 0.00001; TOPMed 0.00002.
gnomAD v4.1: 3 of 1,535,840 alleles (0.0002%); highest among the groups gnomAD compares: African/African-American, 0.0041%; no homozygotes.

Submission:

Labcorp Genetics (formerly Invitae), Labcorp
Classification: Uncertain significance for Primary ciliary dyskinesia. Last evaluated: 2022-10-17. Review status: criteria provided, single submitter. Criteria: Invitae Variant Classification Sherloc (09022015). Collection method: clinical testing. Allele origin: germline.
Comment: Advanced modeling of protein sequence and biophysical properties (such as structural, functional, and spatial information, amino acid conservation, physicochemical variation, residue mobility, and thermodynamic stability) performed at Invitae indicates that this missense variant is not expected to disrupt MCIDAS protein function. In summary, the available evidence is currently insufficient to determine the role of this variant in disease. Therefore, it has been classified as a Variant of Uncertain Significance. This variant has not been reported in the literature in individuals affected with MCIDAS-related conditions. This variant is not present in population databases (gnomAD no frequency). This sequence change replaces glutamic acid, which is acidic and polar, with lysine, which is basic and polar, at codon 184 of the MCIDAS protein (p.Glu184Lys).

NM_001190787.3(MCIDAS):c.550G>A (p.Glu184Lys)

Gene: MCIDAS (multiciliate differentiation and DNA synthesis associated cell cycle protein; minus strand). Cytogenetic location: 5q11.2.
Variant type: single nucleotide variant.
Coding change: c.550G>A on transcript NM_001190787.3 (MANE Select); coding-DNA position 550, G replaced by A.
Protein change: p.Glu184Lys; replaces glutamic acid 184 with lysine.
Molecular consequence: missense variant.
Genome position (GRCh38, 1-based): chr5:55,222,232, C>T on the plus strand (G>A on the coding strand, the complement: MCIDAS is on the minus strand). VCF-style: chr5-55222232-C-T. GRCh37 (hg19) VCF-style: chr5-54518060-C-T.
Other names: short protein forms E184K.
Identifiers: ClinVar variation 1956759 (VCV001956759.5), dbSNP rs1031042671, ClinGen allele CA118981987.